The following is an entry in ClinVar:

ClinVar aggregate classification (germline): Likely benign (1 of 4 stars; one submission).

Allele frequency attached by ClinVar (database versions not stated): gnomAD 0.01369 and 0.01472; TOPMed 0.01584; 1000 Genomes Project 0.01637; 1000 Genomes Project 30x 0.01686.
gnomAD v4.1: 2,069 of 152,236 alleles (1.4%); highest among the groups gnomAD compares: African/African-American, 4.8%; 29 homozygotes.

Submission:

GeneDx
Classification: Likely benign. Last evaluated: 2018-06-14. Review status: criteria provided, single submitter. Criteria: GeneDx Variant Classification (06012015). Collection method: clinical testing. Allele origin: germline. Affected: yes.
Comment: This variant is considered likely benign or benign based on one or more of the following criteria: it is a conservative change, it occurs at a poorly conserved position in the protein, it is predicted to be benign by multiple in silico algorithms, and/or has population frequency not consistent with disease.

NM_001386795.1(DTNA):c.1532+220G>C

Gene: DTNA (dystrobrevin alpha; plus strand). Cytogenetic location: 18q12.1.
Variant type: single nucleotide variant.
Coding change: c.1532+220G>C on transcript NM_001386795.1 (MANE Select); 220 bases into the intron after coding-DNA position 1532, G replaced by C.
Molecular consequence: intron variant.
Genome position (GRCh38, 1-based): chr18:34,852,148, G>C. VCF-style: chr18-34852148-G-C. GRCh37 (hg19) VCF-style: chr18-32432112-G-C.
Other names: c.1280+220G>C (NM_032975.4, NM_001386761.1, NM_032979.5); c.1277+220G>C (NM_001386762.1); c.1361+220G>C (NM_001386754.1, NM_001386755.1, NM_001386757.1 and 4 more transcripts); c.1358+220G>C (NM_001386760.1); c.1271+220G>C (NM_001386763.1, NM_001386764.1, NM_001386771.1 and 9 more transcripts); c.1268+220G>C (NM_001386768.1, NM_001386773.1, NM_001386769.1 and 1 more transcripts); c.701+220G>C (NM_001198945.2); c.1532+220G>C (NM_001386788.1); and 7 more.
Identifiers: ClinVar variation 675746 (VCV000675746.1), dbSNP rs112067476, ClinGen allele CA297789399.
Genomic context (GRCh38, chr18:34,852,148, plus strand): 5'-ATCTTTAGAACTTCAGAAGCTCCATGAGAAAACGGCGTGTGCATGTATGTGTATAGTTCT[G>C]AGATATCAATGCAATTAATGTTGCCCCTCTAGACGGTCTCACTTCCCTTTTTCTGAGATA-3'